The following is an entry in ClinVar:

NM_015271.5(TRIM2):c.1043C>G (p.Thr348Ser)

Gene: TRIM2 (tripartite motif containing 2; plus strand). Cytogenetic location: 4q31.3.
Variant type: single nucleotide variant.
Coding change: c.1043C>G on transcript NM_015271.5 (MANE Select); coding-DNA position 1043, C replaced by G.
Protein change: p.Thr348Ser; replaces threonine 348 with serine.
Molecular consequence: missense variant.
Genome position (GRCh38, 1-based): chr4:153,295,569, C>G. VCF-style: chr4-153295569-C-G. GRCh37 (hg19) VCF-style: chr4-154216721-C-G.
Other names: c.962C>G, p.Thr321Ser (NM_001130067.2, NM_001351056.2); c.1016C>G, p.Thr339Ser (NM_001351054.2); c.1013C>G, p.Thr338Ser (NM_001351055.2); c.587C>G, p.Thr196Ser (NM_001351057.2); c.1043C>G (NM_015271.3); short protein forms T321S, T196S, T338S, T339S, T348S.
Identifiers: ClinVar variation 582449 (VCV000582449.9), dbSNP rs752113810, ClinGen allele CA3108675.

ClinVar aggregate classification (germline): Uncertain significance. Review status: criteria provided, multiple submitters, no conflicts (2 of 4 stars). 2 submissions from 2 submitters: Uncertain significance (2). Last evaluated 2024-11-25.

Conditions:
Charcot-Marie-Tooth disease type 2R. Also called: CHARCOT-MARIE-TOOTH NEUROPATHY, TYPE 2R; CHARCOT-MARIE-TOOTH DISEASE, AXONAL, AUTOSOMAL RECESSIVE, TYPE 2R; Charcot-Marie-Tooth disease, axonal, type 2R. Identifiers: Orphanet 397968, MedGen C3809655, MONDO:0014208, OMIM 615490.

Allele frequency attached by ClinVar (database versions not stated): gnomAD 0.00001; gnomAD exomes 0.00001 and 0.00002; ExAC 0.00002; TOPMed 0.00002.

Submissions (2):

Ambry Genetics
Classification: Uncertain significance. Last evaluated: 2024-11-25. Review status: criteria provided, single submitter. Criteria: Ambry Variant Classification Scheme 2023. Collection method: clinical testing. Allele origin: germline.

Labcorp Genetics (formerly Invitae), Labcorp
Classification: Uncertain significance for Charcot-Marie-Tooth disease type 2R. Last evaluated: 2024-10-29. Review status: criteria provided, single submitter. Criteria: Invitae Variant Classification Sherloc (09022015). Collection method: clinical testing. Allele origin: germline.
Comment: This sequence change replaces threonine, which is neutral and polar, with serine, which is neutral and polar, at codon 321 of the TRIM2 protein (p.Thr321Ser). This variant is present in population databases (rs752113810, gnomAD 0.009%). This variant has not been reported in the literature in individuals affected with TRIM2-related conditions. ClinVar contains an entry for this variant (Variation ID: 582449). An algorithm developed to predict the effect of missense changes on protein structure and function (PolyPhen-2) suggests that this variant is likely to be tolerated. In summary, the available evidence is currently insufficient to determine the role of this variant in disease. Therefore, it has been classified as a Variant of Uncertain Significance.